The following is an entry in ClinVar:

NM_004523.4(KIF11):c.1712T>C (p.Leu571Pro)

Gene: KIF11 (kinesin family member 11; plus strand). Cytogenetic location: 10q23.33.
Variant type: single nucleotide variant.
Coding change: c.1712T>C on transcript NM_004523.4 (MANE Select); coding-DNA position 1712, T replaced by C.
Protein change: p.Leu571Pro; replaces leucine 571 with proline.
Molecular consequence: missense variant.
Genome position (GRCh38, 1-based): chr10:92,633,632, T>C. VCF-style: chr10-92633632-T-C. GRCh37 (hg19) VCF-style: chr10-94393389-T-C.
Other names: short protein forms L571P.
Identifiers: ClinVar variation 4281925 (VCV004281925.1).

ClinVar aggregate classification (germline): Uncertain significance (1 of 4 stars; one submission).

Submission:

GeneDx
Classification: Uncertain significance. Last evaluated: 2025-04-12. Review status: criteria provided, single submitter. Criteria: GeneDx Variant Classification Process June 2021. Collection method: clinical testing. Allele origin: germline. Affected: yes.
Comment: Not observed at significant frequency in large population cohorts (gnomAD); In silico analysis supports that this missense variant has a deleterious effect on protein structure/function; Has not been previously published as pathogenic or benign to our knowledge